The following is an entry in ClinVar:

ClinVar aggregate classification (germline): Uncertain significance. Review status: criteria provided, multiple submitters, no conflicts (2 of 4 stars). 3 submissions from 3 submitters: Uncertain significance (3). Last evaluated 2025-12-29.

Conditions:
Cardiovascular phenotype. Identifiers: MedGen CN230736.
Arrhythmogenic right ventricular dysplasia 12. Also called: ARRHYTHMOGENIC RIGHT VENTRICULAR DYSPLASIA, FAMILIAL, 12. Identifiers: MedGen C1969081, MONDO:0012684, OMIM 611528.
Naxos disease (NXD). Also called: KERATOSIS PALMOPLANTARIS WITH ARRHYTHMOGENIC CARDIOMYOPATHY; MAL DE NAXOS; CARDIOMYOPATHY, ARRHYTHMOGENIC RIGHT VENTRICULAR, WITH SKIN, HAIR, AND NAIL ABNORMALITIES; PALMOPLANTAR KERATODERMA WITH ARRHYTHMOGENIC RIGHT VENTRICULAR CARDIOMYOPATHY AND WOOLLY HAIR; WOOLLY HAIR, PALMOPLANTAR KERATODERMA, AND CARDIAC ABNORMALITIES. Identifiers: Orphanet 34217, MedGen C1832600, MONDO:0011017, OMIM 601214.

Allele frequency attached by ClinVar (database versions not stated): TOPMed 0.00001; gnomAD exomes 0.00002; ExAC 0.00003.
gnomAD v4.1: 15 of 1,606,860 alleles (0.00093%); highest among the groups gnomAD compares: Middle Eastern, 0.017%; no homozygotes.

Submissions (3):

Labcorp Genetics (formerly Invitae), Labcorp
Classification: Uncertain significance for Arrhythmogenic right ventricular dysplasia 12; Naxos disease. Last evaluated: 2025-12-29. Review status: criteria provided, single submitter. Criteria: Invitae Variant Classification Sherloc (09022015). Collection method: clinical testing. Allele origin: germline.
Comment: This sequence change replaces arginine, which is basic and polar, with cysteine, which is neutral and slightly polar, at codon 540 of the JUP protein (p.Arg540Cys). The frequency data for this variant in the population databases is considered unreliable, as metrics indicate poor data quality at this position in the gnomAD database. This missense change has been observed in individual(s) with hypertrophic cardiomyopathy (PMID: 30206291). ClinVar contains an entry for this variant (Variation ID: 571627). An algorithm developed to predict the effect of missense changes on protein structure and function (PolyPhen-2) suggests that this variant is likely to be disruptive. In summary, the available evidence is currently insufficient to determine the role of this variant in disease. Therefore, it has been classified as a Variant of Uncertain Significance.

Ambry Genetics
Classification: Uncertain significance for Cardiovascular phenotype. Last evaluated: 2025-08-13. Review status: criteria provided, single submitter. Criteria: Ambry Variant Classification Scheme 2023. Collection method: clinical testing. Allele origin: germline.

GeneDx
Classification: Uncertain significance. Last evaluated: 2019-11-27. Review status: criteria provided, single submitter. Criteria: GeneDx Variant Classification Process June 2021. Collection method: clinical testing. Allele origin: germline. Affected: yes.
Comment: Reported in conjunction with an additional cardiogenetic variant in an individual with HCM (Inagaki et al., 2018); Not observed at a significant frequency in large population cohorts (Lek et al., 2016); Reported in ClinVar as a variant of uncertain significance (ClinVar Variant ID# 571627; Landrum et al., 2016); In silico analysis, which includes protein predictors and evolutionary conservation, supports a deleterious effect; This variant is associated with the following publications: (PMID: 30206291)

Literature cited by the submitters: PubMed 30206291 (cited by Labcorp Genetics (formerly Invitae), Labcorp).

NM_002230.4(JUP):c.1618C>T (p.Arg540Cys)

Gene: JUP (junction plakoglobin; minus strand). Cytogenetic location: 17q21.2.
Variant type: single nucleotide variant.
Coding change: c.1618C>T on transcript NM_002230.4 (MANE Select); coding-DNA position 1618, C replaced by T.
Protein change: p.Arg540Cys; replaces arginine 540 with cysteine.
Molecular consequence: missense variant.
Genome position (GRCh38, 1-based): chr17:41,758,750, G>A on the plus strand (C>T on the coding strand, the complement: JUP is on the minus strand). VCF-style: chr17-41758750-G-A. GRCh37 (hg19) VCF-style: chr17-39915002-G-A.
Other names: c.1618C>T, p.Arg540Cys (NM_001352773.2, NM_001352774.2, NM_001352775.2 and 3 more transcripts); short protein forms R540C.
Identifiers: ClinVar variation 571627 (VCV000571627.13), dbSNP rs782455234, ClinGen allele CA8565182.